The following is an entry in ClinVar:

NM_003327.4(TNFRSF4):c.192C>T (p.Cys64=)

Gene: TNFRSF4 (TNF receptor superfamily member 4; minus strand). Cytogenetic location: 1p36.33.
Variant type: single nucleotide variant.
Coding change: c.192C>T on transcript NM_003327.4 (MANE Select); coding-DNA position 192, C replaced by T.
Protein change: p.Cys64=; no amino-acid change (cysteine 64 retained).
Molecular consequence: synonymous variant.
Genome position (GRCh38, 1-based): chr1:1,213,739, G>A on the plus strand (C>T on the coding strand, the complement: TNFRSF4 is on the minus strand). VCF-style: chr1-1213739-G-A. GRCh37 (hg19) VCF-style: chr1-1149119-G-A.
Other names: c.192C>T, p.Cys64= (NM_001410709.1).
Identifiers: ClinVar variation 2756622 (VCV002756622.3), dbSNP rs2521779045, ClinGen allele CA415364465.

ClinVar aggregate classification (germline): Uncertain significance (1 of 4 stars; one submission).

Conditions:
Combined immunodeficiency due to OX40 deficiency. Also called: Immunodeficiency 16; OX40 DEFICIENCY. Identifiers: Orphanet 431149, MedGen C3810053, MONDO:0014268, OMIM 615593.

Allele frequency attached by ClinVar (database versions not stated): gnomAD exomes below 0.00001.
gnomAD v4.1: 1 of 1,602,896 alleles (0.000062%); highest among the groups gnomAD compares: East Asian, 0.0023%; no homozygotes.

Submission:

Labcorp Genetics (formerly Invitae), Labcorp
Classification: Uncertain significance for Combined immunodeficiency due to OX40 deficiency. Last evaluated: 2023-08-30. Review status: criteria provided, single submitter. Criteria: Invitae Variant Classification Sherloc (09022015). Collection method: clinical testing. Allele origin: germline.
Comment: This sequence change affects codon 64 of the TNFRSF4 mRNA. It is a 'silent' change, meaning that it does not change the encoded amino acid sequence of the TNFRSF4 protein. This variant is not present in population databases (gnomAD no frequency). This variant has not been reported in the literature in individuals affected with TNFRSF4-related conditions. Algorithms developed to predict the effect of sequence changes on RNA splicing suggest that this variant may create or strengthen a splice site. In summary, the available evidence is currently insufficient to determine the role of this variant in disease. Therefore, it has been classified as a Variant of Uncertain Significance.